The following is an entry in ClinVar:

ClinVar aggregate classification (germline): Uncertain significance. Review status: criteria provided, multiple submitters, no conflicts (2 of 4 stars). 2 submissions from 2 submitters: Uncertain significance (2). Last evaluated 2025-06-22.

Conditions:
Inborn genetic diseases. Identifiers: MedGen C0950123, MeSH D030342.

Allele frequency attached by ClinVar (database versions not stated): gnomAD exomes below 0.00001.
gnomAD v4.1: 1 of 1,608,838 alleles (0.000062%); highest among the groups gnomAD compares: Non-Finnish European, 0.000085%; no homozygotes.

Submissions (2):

Labcorp Genetics (formerly Invitae), Labcorp
Classification: Uncertain significance. Last evaluated: 2025-06-22. Review status: criteria provided, single submitter. Criteria: Invitae Variant Classification Sherloc (09022015). Collection method: clinical testing. Allele origin: germline.
Comment: This sequence change replaces serine, which is neutral and polar, with alanine, which is neutral and non-polar, at codon 594 of the NEFH protein (p.Ser594Ala). This variant is not present in population databases (gnomAD no frequency). This variant has not been reported in the literature in individuals affected with NEFH-related conditions. ClinVar contains an entry for this variant (Variation ID: 1779993). Invitae Evidence Modeling of protein sequence and biophysical properties (such as structural, functional, and spatial information, amino acid conservation, physicochemical variation, residue mobility, and thermodynamic stability) indicates that this missense variant is not expected to disrupt NEFH protein function with a negative predictive value of 95%. In summary, the available evidence is currently insufficient to determine the role of this variant in disease. Therefore, it has been classified as a Variant of Uncertain Significance.

Ambry Genetics
Classification: Uncertain significance for Inborn genetic diseases. Last evaluated: 2020-11-12. Review status: criteria provided, single submitter. Criteria: Ambry Variant Classification Scheme 2023. Collection method: clinical testing. Allele origin: germline.
Comment: The p.S594A variant (also known as c.1780T>G), located in coding exon 4 of the NEFH gene, results from a T to G substitution at nucleotide position 1780. The serine at codon 594 is replaced by alanine, an amino acid with similar properties. This amino acid position is well conserved in available vertebrate species. In addition, this alteration is predicted to be tolerated by in silico analysis. Since supporting evidence is limited at this time, the clinical significance of this alteration remains unclear.

NM_021076.4(NEFH):c.1780T>G (p.Ser594Ala)

Gene: NEFH (neurofilament heavy chain; plus strand). Cytogenetic location: 22q12.2.
Variant type: single nucleotide variant.
Coding change: c.1780T>G on transcript NM_021076.4 (MANE Select); coding-DNA position 1780, T replaced by G.
Protein change: p.Ser594Ala; replaces serine 594 with alanine.
Molecular consequence: missense variant.
Genome position (GRCh38, 1-based): chr22:29,489,420, T>G. VCF-style: chr22-29489420-T-G. GRCh37 (hg19) VCF-style: chr22-29885409-T-G.
Other names: short protein forms S594A.
Identifiers: ClinVar variation 1779993 (VCV001779993.7), dbSNP rs2517977489, ClinGen allele CA411131813.
Genomic context (GRCh38, chr22:29,489,420, plus strand): 5'-TCTCCAGCTGAGGTCAAGTCCCCCGAGAAGGCCAAGTCCCCAGCAAAGGAAGAGGCAAAG[T>G]CACCGGCTGAGGCCAAGTCTCCAGAGAAGGCCAAGTCCCCAGTGAAGGAAGAAGCAAAGT-3'
Protein context (NP_066554.2, residues 584-604): AKSPAKEEAK[Ser594Ala]PAEAKSPEKA